The following is an entry in ClinVar:

ClinVar aggregate classification (germline): Uncertain significance (1 of 4 stars; one submission).

Conditions:
Telangiectasia, hereditary hemorrhagic, type 2 (HHT2). Also called: Telangiectasia, hereditary hemorrhagic, type II; ACVRL1-Related Hereditary Hemorrhagic Telangiectasia. Identifiers: Orphanet 774, MedGen C1838163, MONDO:0010880, OMIM 600376. Disease mechanism: loss of function.

Submission:

3billion
Classification: Uncertain significance for Telangiectasia, hereditary hemorrhagic, type 2. Last evaluated: 2025-01-22. Review status: criteria provided, single submitter. Criteria: ACMG Guidelines, 2015. Collection method: clinical testing. Allele origin: germline. Affected: yes.
Comment: The variant is not observed in the gnomAD v4.1.0 dataset. Predicted Consequence/Location: Missense variant In silico tool predictions suggest damaging effect of the variant on gene or gene product [REVEL: 0.79 (>=0.6, sensitivity 0.68 and specificity 0.92); 3Cnet: 0.99 (>=0.6, sensitivity 0.72 and precision 0.9)]. Different missense changes at the same codon (p.Cys77Arg, p.Cys77Phe, p.Cys77Trp, p.Cys77Tyr) have been reported as pathogenic/likely pathogenic with strong evidence (ClinVar ID: VCV000951985, VCV001789243 /PMID: 10694922, 17786384, 26176610, 29449337). Therefore, this variant is classified as VUS according to the recommendation of ACMG/AMP guideline.

Literature cited by the submitters: PubMed 10694922.

NM_000020.3(ACVRL1):c.229T>A (p.Cys77Ser)

Gene: ACVRL1 (activin A receptor like type 1; plus strand). Cytogenetic location: 12q13.13.
Variant type: single nucleotide variant.
Coding change: c.229T>A on transcript NM_000020.3 (MANE Select); coding-DNA position 229, T replaced by A.
Protein change: p.Cys77Ser; replaces cysteine 77 with serine.
Molecular consequence: missense variant. On other transcripts: intron variant (1).
Genome position (GRCh38, 1-based): chr12:51,913,266, T>A. VCF-style: chr12-51913266-T-A. GRCh37 (hg19) VCF-style: chr12-52307050-T-A.
Other names: c.229T>A, p.Cys77Ser (NM_001077401.2, NM_001406487.1, NM_001406488.1 and 6 more transcripts); c.61+731T>A (NM_001406495.1); short protein forms C77S.
Identifiers: ClinVar variation 4292488 (VCV004292488.1).